The following is an entry in ClinVar:

ClinVar aggregate classification (germline): Uncertain significance. Review status: criteria provided, multiple submitters, no conflicts (2 of 4 stars). 3 submissions from 3 submitters: Uncertain significance (3). Last evaluated 2024-11-17.

Conditions:
Colorectal cancer. Also called: Malignant Colorectal Neoplasm; Colorectal cancer, somatic. Identifiers: MedGen C0346629, MONDO:0005575, OMIM 114500.
Hereditary cancer-predisposing syndrome. Also called: Neoplastic Syndromes, Hereditary; Tumor predisposition; Hereditary Cancer Syndrome; Hereditary neoplastic syndrome. Identifiers: Orphanet 140162, MedGen C0027672, MeSH D009386, MONDO:0015356.
Oligodontia-cancer predisposition syndrome. Also called: TOOTH AGENESIS-COLORECTAL CANCER SYNDROME. Identifiers: Orphanet 300576, MedGen C1837750, MONDO:0012075, OMIM 608615. Disease mechanism: loss of function.

Submissions (3):

Ambry Genetics
Classification: Uncertain significance for Hereditary cancer-predisposing syndrome. Last evaluated: 2024-11-17. Review status: criteria provided, single submitter. Criteria: Ambry Variant Classification Scheme 2023. Collection method: clinical testing. Allele origin: germline.
Comment: The p.S303T variant (also known as c.907T>A), located in coding exon 2 of the AXIN2 gene, results from a T to A substitution at nucleotide position 907. The serine at codon 303 is replaced by threonine, an amino acid with similar properties. This amino acid position is conserved. In addition, the in silico prediction for this alteration is inconclusive. Since supporting evidence is limited at this time, the clinical significance of this alteration remains unclear.

Baylor Genetics
Classification: Uncertain significance for Colorectal cancer. Last evaluated: 2023-10-09. Review status: criteria provided, single submitter. Criteria: ACMG Guidelines, 2015. Collection method: clinical testing. Allele origin: unknown.

Labcorp Genetics (formerly Invitae), Labcorp
Classification: Uncertain significance for Oligodontia-cancer predisposition syndrome. Last evaluated: 2022-07-25. Review status: criteria provided, single submitter. Criteria: Invitae Variant Classification Sherloc (09022015). Collection method: clinical testing. Allele origin: germline.
Comment: In summary, the available evidence is currently insufficient to determine the role of this variant in disease. Therefore, it has been classified as a Variant of Uncertain Significance. Algorithms developed to predict the effect of missense changes on protein structure and function (SIFT, PolyPhen-2, Align-GVGD) all suggest that this variant is likely to be disruptive. This variant has not been reported in the literature in individuals affected with AXIN2-related conditions. This variant is not present in population databases (gnomAD no frequency). This sequence change replaces serine, which is neutral and polar, with threonine, which is neutral and polar, at codon 303 of the AXIN2 protein (p.Ser303Thr).

NM_004655.4(AXIN2):c.907T>A (p.Ser303Thr)

Gene: AXIN2 (axin 2; minus strand). Cytogenetic location: 17q24.1.
Variant type: single nucleotide variant.
Coding change: c.907T>A on transcript NM_004655.4 (MANE Select); coding-DNA position 907, T replaced by A.
Protein change: p.Ser303Thr; replaces serine 303 with threonine.
Molecular consequence: missense variant.
Genome position (GRCh38, 1-based): chr17:65,549,569, A>T on the plus strand (T>A on the coding strand, the complement: AXIN2 is on the minus strand). VCF-style: chr17-65549569-A-T. GRCh37 (hg19) VCF-style: chr17-63545687-A-T.
Other names: c.907T>A, p.Ser303Thr (NM_001363813.1); short protein forms S303T.
Identifiers: ClinVar variation 1765709 (VCV001765709.9), dbSNP rs1567763495, ClinGen allele CA400679521.
Genomic context (GRCh38, chr17:65,549,569, plus strand): 5'-AGGATACTCACACACTGCTGTCCGTCATGGACATGGAATCATCCGTCAGCGCATCACTGG[A>T]TATCTCACTGTCGTTGGCGCTGGTGGCTGGTGCAAAGACATAGCCAGAACCTATGTGATA-3'
Protein context (NP_004646.3, residues 293-313): PATSANDSEI[Ser303Thr]SDALTDDSMS